The following is an entry in ClinVar:

NM_015450.3(POT1):c.1841A>G (p.Asn614Ser)

Gene: POT1 (protection of telomeres 1; minus strand). Cytogenetic location: 7q31.33.
Variant type: single nucleotide variant.
Coding change: c.1841A>G on transcript NM_015450.3 (MANE Select); coding-DNA position 1841, A replaced by G.
Protein change: p.Asn614Ser; replaces asparagine 614 with serine.
Molecular consequence: missense variant. On other transcripts: non-coding transcript variant (3).
Genome position (GRCh38, 1-based): chr7:124,824,026, T>C on the plus strand (A>G on the coding strand, the complement: POT1 is on the minus strand). VCF-style: chr7-124824026-T-C. GRCh37 (hg19) VCF-style: chr7-124464080-T-C.
Other names: c.1448A>G, p.Asn483Ser (NM_001042594.2); short protein forms N614S, N483S.
Identifiers: ClinVar variation 475066 (VCV000475066.19), dbSNP rs202024401, ClinGen allele CA4464958.

ClinVar aggregate classification (germline): Conflicting classifications of pathogenicity. Review status: criteria provided, conflicting classifications (1 of 4 stars). 5 submissions from 5 submitters: Uncertain significance (4); Likely benign (1). Last evaluated 2026-01-19.

Conditions:
Pulmonary fibrosis and/or bone marrow failure syndrome, telomere-related, 8 (PFBMFT8). Identifiers: MedGen C5830496, MONDO:0957263, OMIM 620367.
Tumor predisposition syndrome 3 (TPDS3). Also called: Glioma susceptibility 9; LONG TELOMERE SYNDROME, POT1-RELATED; POT1 Tumor Predisposition; Melanoma, cutaneous malignant, susceptibility to, 10. Identifiers: Orphanet 618, MedGen C4014476, MONDO:0014368, OMIM 615848.
Cerebroretinal microangiopathy with calcifications and cysts 3 (CRMCC3). Identifiers: MedGen C5830497, MONDO:0957264, OMIM 620368.
Hereditary cancer-predisposing syndrome. Also called: Hereditary neoplastic syndrome; Hereditary Cancer Syndrome; Neoplastic Syndromes, Hereditary; Tumor predisposition. Identifiers: Orphanet 140162, MedGen C0027672, MeSH D009386, MONDO:0015356.

Allele frequency attached by ClinVar (database versions not stated): ESP Exome Variant Server 0.00015; ExAC 0.00001; gnomAD exomes 0.00001 and 0.00005; TOPMed 0.00004; gnomAD 0.00005 and 0.00006.
gnomAD v4.1: 79 of 1,609,552 alleles (0.0049%); highest among the groups gnomAD compares: Non-Finnish European, 0.0059%; no homozygotes.

Submissions (5):

Labcorp Genetics (formerly Invitae), Labcorp
Classification: Uncertain significance for Tumor predisposition syndrome 3. Last evaluated: 2026-01-19. Review status: criteria provided, single submitter. Criteria: Invitae Variant Classification Sherloc (09022015). Collection method: clinical testing. Allele origin: germline.
Comment: This sequence change replaces asparagine, which is neutral and polar, with serine, which is neutral and polar, at codon 614 of the POT1 protein (p.Asn614Ser). This variant is present in population databases (rs202024401, gnomAD 0.003%). This variant has not been reported in the literature in individuals affected with POT1-related conditions. ClinVar contains an entry for this variant (Variation ID: 475066). Invitae Evidence Modeling of protein sequence and biophysical properties (such as structural, functional, and spatial information, amino acid conservation, physicochemical variation, residue mobility, and thermodynamic stability) indicates that this missense variant is not expected to disrupt POT1 protein function with a negative predictive value of 80%. In summary, the available evidence is currently insufficient to determine the role of this variant in disease. Therefore, it has been classified as a Variant of Uncertain Significance.

Quest Diagnostics Nichols Institute San Juan Capistrano
Classification: Uncertain significance. Last evaluated: 2024-11-11. Review status: criteria provided, single submitter. Criteria: Quest Diagnostics criteria. Collection method: clinical testing. Allele origin: unknown.
Comment: The POT1 c.1841A>G (p.Asn614Ser) variant has been reported in the published literature in a reportedly healthy individual (PMID: 36539277 (2022)). The frequency of this variant in the general population, 0.000031 (4/127872 chromosomes (Genome Aggregation Database)), is uninformative in the assessment of its pathogenicity. Analysis of this variant using bioinformatics tools for the prediction of the effect of amino acid changes on protein structure and function yielded predictions that this variant is benign. Based on the available information, we are unable to determine the clinical significance of this variant.

Fulgent Genetics
Classification: Uncertain significance for Tumor predisposition syndrome 3; Pulmonary fibrosis and/or bone marrow failure syndrome, telomere-related, 8; Cerebroretinal microangiopathy with calcifications and cysts 3. Last evaluated: 2024-01-17. Review status: criteria provided, single submitter. Criteria: ACMG Guidelines, 2015. Collection method: clinical testing. Allele origin: germline.

GeneDx
Classification: Uncertain significance. Last evaluated: 2023-07-10. Review status: criteria provided, single submitter. Criteria: GeneDx Variant Classification Process June 2021. Collection method: clinical testing. Allele origin: germline. Affected: yes.
Comment: Not observed at significant frequency in large population cohorts (gnomAD); In silico analysis supports that this missense variant does not alter protein structure/function; Published functional studies demonstrate single stranded-DNA binding similar to wildtype, suggesting no impact on POT1-telomere complex formation (Simonin-Wilmer et al., 2022); This variant is associated with the following publications: (PMID: 28393830, 36539277)

Ambry Genetics
Classification: Likely benign for Hereditary cancer-predisposing syndrome. Last evaluated: 2018-04-12. Review status: criteria provided, single submitter. Criteria: Ambry Variant Classification Scheme 2023. Collection method: clinical testing. Allele origin: germline.

Literature cited by the submitters: PubMed 36539277 (cited by Quest Diagnostics Nichols Institute San Juan Capistrano).